The following is an entry in ClinVar:

ClinVar aggregate classification (germline): Likely benign. Review status: criteria provided, multiple submitters, no conflicts (2 of 4 stars). 2 submissions from 2 submitters: Likely benign (2). Last evaluated 2025-10-20.

Conditions:
GJB1-related disorder. Also called: GJB1-related condition; GJB1-related disorders.
Charcot-Marie-Tooth Neuropathy X. Identifiers: MedGen CN118851.

Allele frequency attached by ClinVar (database versions not stated): gnomAD exomes 0.00001; ExAC 0.00002.
gnomAD v4.1: 8 of 1,207,279 alleles (0.00066%); highest among the groups gnomAD compares: South Asian, 0.012%; no homozygotes.

Submissions (2):

PreventionGenetics, part of Exact Sciences
Classification: Likely benign for GJB1-related condition. Last evaluated: 2025-10-20. Review status: criteria provided, single submitter. Criteria: ACMG Guidelines, 2015. Collection method: clinical testing. Allele origin: germline.
Comment: This variant is classified as likely benign based on ACMG/AMP sequence variant interpretation guidelines (Richards et al. 2015 PMID: 25741868, with internal and published modifications).

Labcorp Genetics (formerly Invitae), Labcorp
Classification: Likely benign for Charcot-Marie-Tooth Neuropathy X. Last evaluated: 2024-01-29. Review status: criteria provided, single submitter. Criteria: Invitae Variant Classification Sherloc (09022015). Collection method: clinical testing. Allele origin: germline.

NM_000166.6(GJB1):c.384A>G (p.Ser128=)

Gene: GJB1 (gap junction protein beta 1; plus strand). Cytogenetic location: Xq13.1.
Variant type: single nucleotide variant.
Coding change: c.384A>G on transcript NM_000166.6 (MANE Select); coding-DNA position 384, A replaced by G.
Protein change: p.Ser128=; no amino-acid change (serine 128 retained).
Molecular consequence: synonymous variant.
Genome position (GRCh38, 1-based): chrX:71,224,091, A>G. VCF-style: chrX-71224091-A-G. GRCh37 (hg19) VCF-style: chrX-70443941-A-G.
Other names: c.384A>G (NM_000166.5); c.384A>G, p.Ser128= (NM_001097642.3).
Identifiers: ClinVar variation 1916241 (VCV001916241.6), dbSNP rs771339919, ClinGen allele CA10445298.